The following is an entry in ClinVar:

ClinVar aggregate classification (germline): Uncertain significance (1 of 4 stars; one submission).

Conditions:
Developmental and epileptic encephalopathy, 23 (DEE23). Also called: Epileptic encephalopathy, early infantile, 23. Identifiers: Orphanet 411986, MedGen C4014492, MONDO:0014371, OMIM 615859.

Allele frequency attached by ClinVar (database versions not stated): gnomAD exomes below 0.00001.
gnomAD v4.1: 2 of 1,613,658 alleles (0.00012%); highest among the groups gnomAD compares: Non-Finnish European, 0.00017%; no homozygotes.

Submission:

Labcorp Genetics (formerly Invitae), Labcorp
Classification: Uncertain significance for Developmental and epileptic encephalopathy, 23. Last evaluated: 2024-03-04. Review status: criteria provided, single submitter. Criteria: Invitae Variant Classification Sherloc (09022015). Collection method: clinical testing. Allele origin: germline.
Comment: This sequence change replaces methionine, which is neutral and non-polar, with valine, which is neutral and non-polar, at codon 406 of the DOCK7 protein (p.Met406Val). This variant is not present in population databases (gnomAD no frequency). This variant has not been reported in the literature in individuals affected with DOCK7-related conditions. ClinVar contains an entry for this variant (Variation ID: 2116030). Advanced modeling of protein sequence and biophysical properties (such as structural, functional, and spatial information, amino acid conservation, physicochemical variation, residue mobility, and thermodynamic stability) performed at Invitae indicates that this missense variant is not expected to disrupt DOCK7 protein function with a negative predictive value of 80%. In summary, the available evidence is currently insufficient to determine the role of this variant in disease. Therefore, it has been classified as a Variant of Uncertain Significance.

NM_001367561.1(DOCK7):c.1216A>G (p.Met406Val)

Gene: DOCK7 (dedicator of cytokinesis 7; minus strand). Cytogenetic location: 1p31.3.
Variant type: single nucleotide variant.
Coding change: c.1216A>G on transcript NM_001367561.1 (MANE Select); coding-DNA position 1216, A replaced by G.
Protein change: p.Met406Val; replaces methionine 406 with valine.
Molecular consequence: missense variant.
Genome position (GRCh38, 1-based): chr1:62,631,306, T>C on the plus strand (A>G on the coding strand, the complement: DOCK7 is on the minus strand). VCF-style: chr1-62631306-T-C. GRCh37 (hg19) VCF-style: chr1-63096977-T-C.
Other names: c.1216A>G, p.Met406Val (NM_001272000.2, NM_001272001.2, NM_001272002.2 and 3 more transcripts); short protein forms M406V.
Identifiers: ClinVar variation 2116030 (VCV002116030.4), dbSNP rs2523041337, ClinGen allele CA340618871.